The following is an entry in ClinVar:

NM_000350.3(ABCA4):c.5836-1G>C

Gene: ABCA4 (ATP binding cassette subfamily A member 4; minus strand). Cytogenetic location: 1p22.1.
Variant type: single nucleotide variant.
Coding change: c.5836-1G>C on transcript NM_000350.3 (MANE Select); the canonical splice acceptor site of the intron before coding-DNA position 5836, G replaced by C.
Molecular consequence: splice acceptor variant.
Genome position (GRCh38, 1-based): chr1:94,008,298, C>G on the plus strand (G>C on the coding strand, the complement: ABCA4 is on the minus strand). VCF-style: chr1-94008298-C-G. GRCh37 (hg19) VCF-style: chr1-94473854-C-G.
Other names: c.5614-1G>C (NM_001425324.1).
Identifiers: ClinVar variation 4851981 (VCV004851981.1).

ClinVar aggregate classification (germline): Pathogenic (1 of 4 stars; one submission).

gnomAD v4.1: 1 of 1,614,060 alleles (0.000062%); highest among the groups gnomAD compares: Non-Finnish European, 0.000085%; no homozygotes.

Submission:

Dasa
Classification: Pathogenic. Last evaluated: 2025-03-18. Review status: criteria provided, single submitter. Criteria: DASA Assertion Criteria. Collection method: clinical testing. Allele origin: germline.
Comment: NM_000350.3(ABCA4):c.5836-1G>C introduces a premature termination codon predicted to result in loss of normal protein function. Loss-of-function is an established mechanism of disease for this gene. This variant results in the same amino acid change as a previously established pathogenic variant. This variant has been observed in affected individuals with related phenotype in a genotype context consistent with recessive disease. The variant is present at low frequency in population datasets. Based on the available data, this variant is classified as pathogenic.